The following is an entry in ClinVar:

ClinVar aggregate classification (germline): Uncertain significance (1 of 4 stars; one submission).

gnomAD v4.1: 1 of 1,614,166 alleles (0.000062%); highest among the groups gnomAD compares: Non-Finnish European, 0.000085%; no homozygotes.

Submission:

Labcorp Genetics (formerly Invitae), Labcorp
Classification: Uncertain significance. Last evaluated: 2022-07-19. Review status: criteria provided, single submitter. Criteria: Invitae Variant Classification Sherloc (09022015). Collection method: clinical testing. Allele origin: germline.
Comment: In summary, the available evidence is currently insufficient to determine the role of this variant in disease. Therefore, it has been classified as a Variant of Uncertain Significance. Algorithms developed to predict the effect of missense changes on protein structure and function (SIFT, PolyPhen-2, Align-GVGD) all suggest that this variant is likely to be disruptive. ClinVar contains an entry for this variant (Variation ID: 1346517). This variant has not been reported in the literature in individuals affected with CNGA1-related conditions. This variant is not present in population databases (gnomAD no frequency). This sequence change replaces leucine, which is neutral and non-polar, with proline, which is neutral and non-polar, at codon 655 of the CNGA1 protein (p.Leu655Pro).

NM_001379270.1(CNGA1):c.1952T>C (p.Leu651Pro)

Genes: CNGA1 (cyclic nucleotide gated channel subunit alpha 1; minus strand), LOC101927157 (uncharacterized LOC101927157; plus strand). Cytogenetic location: 4p12.
Variant type: single nucleotide variant.
Coding change: c.1952T>C on transcript NM_001379270.1 (MANE Select); coding-DNA position 1952, T replaced by C.
Protein change: p.Leu651Pro; replaces leucine 651 with proline.
Molecular consequence: missense variant.
Genome position (GRCh38, 1-based): chr4:47,936,530, A>G on the plus strand (T>C on the coding strand, the complement: CNGA1 is on the minus strand). VCF-style: chr4-47936530-A-G. GRCh37 (hg19) VCF-style: chr4-47938547-A-G.
Other names: c.1952T>C, p.Leu651Pro (NM_000087.5, NM_001142564.2); short protein forms L651P.
Identifiers: ClinVar variation 1346517 (VCV001346517.6), dbSNP rs2110126850, ClinGen allele CA356823104.
Genomic context (GRCh38, chr4:47,936,530, plus strand): 5'-GAAAATTCTGTGTCAATAAGCGGTTTCAGAAATTTCTCAACCTTGGTTAATCTTTGTTTC[A>G]GTTTCTGCTGCATGGACTCATACTCAGCCAAGATTCGGGCAAACCTGGTTTGCAGGAGGT-3'
Protein context (NP_001366199.1, residues 641-661): LAEYESMQQK[Leu651Pro]KQRLTKVEKF